The following is an entry in ClinVar:

NM_172364.5(CACNA2D4):c.1719+4G>A

Gene: CACNA2D4 (calcium voltage-gated channel auxiliary subunit alpha2delta 4; minus strand). Cytogenetic location: 12p13.33.
Variant type: single nucleotide variant.
Coding change: c.1719+4G>A on transcript NM_172364.5 (MANE Select); 4 bases into the intron after coding-DNA position 1719, G replaced by A.
Molecular consequence: intron variant.
Genome position (GRCh38, 1-based): chr12:1,878,311, C>T on the plus strand (G>A on the coding strand, the complement: CACNA2D4 is on the minus strand). VCF-style: chr12-1878311-C-T. GRCh37 (hg19) VCF-style: chr12-1987477-C-T.
Identifiers: ClinVar variation 1042338 (VCV001042338.9), dbSNP rs150490866, ClinGen allele CA231551030.
Genomic context (GRCh38, chr12:1,878,311, plus strand): 5'-TTTTGTGAATTACCCCCAAATCCCATACAGTAAGGATCCCAAGGCAAAGAAGATCTGTAC[C>T]TACCAGGGGCCGGAGGTCGGGATGGGAGAGGATGTAGCCATTGTTGGTGTTCAGAAAGGC-3'

ClinVar aggregate classification (germline): Uncertain significance. Review status: criteria provided, multiple submitters, no conflicts (2 of 4 stars). 2 submissions from 2 submitters: Uncertain significance (2). Last evaluated 2024-06-26.

Allele frequency attached by ClinVar (database versions not stated): gnomAD exomes below 0.00001 and 0.00001; gnomAD 0.00001; TOPMed 0.00001.

Submissions (2):

Blueprint Genetics
Classification: Uncertain significance. Last evaluated: 2024-06-26. Review status: criteria provided, single submitter. Criteria: ACMG Guidelines, 2015. Collection method: clinical testing. Allele origin: germline.

Labcorp Genetics (formerly Invitae), Labcorp
Classification: Uncertain significance. Last evaluated: 2023-05-23. Review status: criteria provided, single submitter. Criteria: Invitae Variant Classification Sherloc (09022015). Collection method: clinical testing. Allele origin: germline.
Comment: This sequence change falls in intron 16 of the CACNA2D4 gene. It does not directly change the encoded amino acid sequence of the CACNA2D4 protein. It affects a nucleotide within the consensus splice site. The frequency data for this variant in the population databases is considered unreliable, as metrics indicate poor data quality at this position in the gnomAD database. This variant has not been reported in the literature in individuals affected with CACNA2D4-related conditions. ClinVar contains an entry for this variant (Variation ID: 1042338). Variants that disrupt the consensus splice site are a relatively common cause of aberrant splicing (PMID: 17576681, 9536098). Algorithms developed to predict the effect of sequence changes on RNA splicing suggest that this variant may create or strengthen a splice site. In summary, the available evidence is currently insufficient to determine the role of this variant in disease. Therefore, it has been classified as a Variant of Uncertain Significance.

Literature cited by the submitters: PubMed 17576681 (cited by Labcorp Genetics (formerly Invitae), Labcorp); PubMed 9536098 (cited by Labcorp Genetics (formerly Invitae), Labcorp).